The following is an entry in ClinVar:

ClinVar aggregate classification (germline): Uncertain significance. Review status: criteria provided, multiple submitters, no conflicts (2 of 4 stars). 4 submissions from 4 submitters: Uncertain significance (4). Last evaluated 2024-08-30.

Conditions:
Classic or attenuated familial adenomatous polyposis. Identifiers: MedGen CN372698, MONDO:0021057.
Hereditary cancer-predisposing syndrome. Also called: Hereditary neoplastic syndrome; Neoplastic Syndromes, Hereditary; Tumor predisposition; Hereditary Cancer Syndrome. Identifiers: Orphanet 140162, MedGen C0027672, MeSH D009386, MONDO:0015356.
Familial adenomatous polyposis 1 (FAP1). Also called: FAMILIAL ADENOMATOUS POLYPOSIS 1, ATTENUATED; POLYPOSIS, ADENOMATOUS INTESTINAL. Identifiers: MedGen C2713442, MONDO:0021056, OMIM 175100. Disease mechanism: loss of function.

Submissions (4):

All of Us Research Program, National Institutes of Health
Classification: Uncertain significance for Classic or attenuated familial adenomatous polyposis. Last evaluated: 2024-08-30. Review status: criteria provided, single submitter. Criteria: ACMG Guidelines, 2015. Collection method: clinical testing. Allele origin: germline. Inheritance: Autosomal dominant inheritance. Observed: 2 variant alleles, 2 heterozygotes.
Comment: This variant causes a nucleotide change from A to C at position -30351 located in the non-coding region of the APC gene. To our knowledge, functional studies have not been reported for this variant. This variant has not been reported in individuals affected with APC-related disorders in the literature. This variant has not been identified in the general population by the Genome Aggregation Database (gnomAD). The available evidence is insufficient to determine the role of this variant in disease conclusively. Therefore, this variant is classified as a Variant of Uncertain Significance.

This study involves interpretation of variants in research participants for the purpose of population health screening. Participant phenotype was not available at the time of variant classification. Additional details can be found in publication PMID: 35346344, PMCID: PMC8962531

Labcorp Genetics (formerly Invitae), Labcorp
Classification: Uncertain significance for Familial adenomatous polyposis 1. Last evaluated: 2024-07-15. Review status: criteria provided, single submitter. Criteria: Invitae Variant Classification Sherloc (09022015). Collection method: clinical testing. Allele origin: germline.
Comment: This variant occurs in a non-coding region of the APC gene. It does not change the encoded amino acid sequence of the APC protein. This variant is not present in population databases (gnomAD no frequency). This variant has not been reported in the literature in individuals affected with APC-related conditions. Experimental studies and prediction algorithms are not available or were not evaluated, and the functional significance of this variant is currently unknown. In summary, the available evidence is currently insufficient to determine the role of this variant in disease. Therefore, it has been classified as a Variant of Uncertain Significance.

Color Diagnostics, LLC DBA Color Health
Classification: Uncertain significance for Hereditary cancer-predisposing syndrome. Last evaluated: 2023-10-06. Review status: criteria provided, single submitter. Criteria: ACMG Guidelines, 2015. Collection method: clinical testing. Allele origin: germline.
Comment: This variant causes a nucleotide change from A to C at position -30351 located in the non-coding region of the APC gene. To our knowledge, functional studies have not been reported for this variant. This variant has not been reported in individuals affected with APC-related disorders in the literature. This variant has not been identified in the general population by the Genome Aggregation Database (gnomAD). The available evidence is insufficient to determine the role of this variant in disease conclusively. Therefore, this variant is classified as a Variant of Uncertain Significance.

GeneDx
Classification: Uncertain significance. Last evaluated: 2019-05-09. Review status: criteria provided, single submitter. Criteria: GeneDx Variant Classification Process June 2021. Collection method: clinical testing. Allele origin: germline. Affected: yes.
Comment: Has not been previously published as pathogenic or benign to our knowledge

NM_001127511.3(APC):c.-125A>C

Gene: APC (APC regulator of Wnt signaling pathway; plus strand). Cytogenetic location: 5q22.2.
Variant type: single nucleotide variant.
Coding change: c.-125A>C on transcript NM_001127511.3; 125 bases upstream of the start codon, A replaced by C.
Molecular consequence: 5 prime UTR variant. On other transcripts: non-coding transcript variant (2), genic upstream transcript variant (1).
Genome position (GRCh38, 1-based): chr5:112,707,593, A>C. VCF-style: chr5-112707593-A-C. GRCh37 (hg19) VCF-style: chr5-112043290-A-C.
Other names: c.-308A>C (NM_001354895.2, NM_001407447.1, NM_001407452.1 and 3 more transcripts); c.-125A>C (NM_001354897.2, NM_001354902.2, NM_001407446.1); c.-75A>C (NM_001407448.1, NM_001407450.1, NM_001407457.1 and 1 more transcripts); c.-99A>C (NM_001407453.1); c.-1343A>C (NM_001407470.1, NM_001407472.1); c.-30351A>C (NM_000038.6).
Identifiers: ClinVar variation 1006524 (VCV001006524.13), dbSNP rs1045063324, ClinGen allele CA1573442507.